The following is an entry in ClinVar:

NM_004970.3(IGFALS):c.1357C>G (p.Leu453Val)

Gene: IGFALS (insulin like growth factor binding protein acid labile subunit; minus strand). Cytogenetic location: 16p13.3.
Variant type: single nucleotide variant.
Coding change: c.1357C>G on transcript NM_004970.3 (MANE Select); coding-DNA position 1357, C replaced by G.
Protein change: p.Leu453Val; replaces leucine 453 with valine.
Molecular consequence: missense variant. On other transcripts: non-coding transcript variant (1).
Genome position (GRCh38, 1-based): chr16:1,791,061, G>C on the plus strand (C>G on the coding strand, the complement: IGFALS is on the minus strand). VCF-style: chr16-1791061-G-C. GRCh37 (hg19) VCF-style: chr16-1841062-G-C.
Other names: c.1471C>G, p.Leu491Val (NM_001146006.2); short protein forms L491V, L453V.
Identifiers: ClinVar variation 887596 (VCV000887596.8), dbSNP rs149707428, ClinGen allele CA7820321.

ClinVar aggregate classification (germline): Conflicting classifications of pathogenicity. Review status: criteria provided, conflicting classifications (1 of 4 stars). 3 submissions from 3 submitters: Uncertain significance (2); Likely benign (1). Last evaluated 2025-08-11.

Conditions:
Short stature due to primary acid-labile subunit deficiency. Also called: Acid-labile subunit deficiency; Acid-labile subunit, deficiency of. Identifiers: Orphanet 140941, MedGen C3900122, MONDO:0014420, OMIM 615961.

Allele frequency attached by ClinVar (database versions not stated): 1000 Genomes Project 0.00020; 1000 Genomes Project 30x 0.00031; TOPMed 0.00082; gnomAD 0.00085 and 0.00087; gnomAD exomes 0.00088; ESP Exome Variant Server 0.00103; ExAC 0.00117.
gnomAD v4.1: 2,073 of 1,598,488 alleles (0.13%); highest among the groups gnomAD compares: Non-Finnish European, 0.17%; 1 homozygote.

Submissions (3):

Women's Health and Genetics/Laboratory Corporation of America, LabCorp
Classification: Uncertain significance. Last evaluated: 2025-08-11. Review status: criteria provided, single submitter. Criteria: LabCorp Variant Classification Summary - May 2015. Collection method: clinical testing. Allele origin: germline.
Comment: Variant summary: IGFALS c.1357C>G (p.Leu453Val) results in a conservative amino acid change in the encoded protein sequence. Algorithms developed to predict the effect of missense changes on protein structure and function all suggest that this variant is likely to be tolerated. The variant allele was found at a frequency of 0.00088 in 233128 control chromosomes, predominantly at a frequency of 0.0017 within the Non-Finnish European subpopulation in the gnomAD database. This frequency is not significantly higher than estimated for a pathogenic variant in IGFALS causing Short Stature Due To Primary Acid-Labile Subunit Deficiency, allowing no conclusion about variant significance. To our knowledge, no occurrence of c.1357C>G in individuals affected with Short Stature Due To Primary Acid-Labile Subunit Deficiency and no experimental evidence demonstrating its impact on protein function have been reported. ClinVar contains an entry for this variant (Variation ID: 887596). Based on the evidence outlined above, the variant was classified as uncertain significance.

Blueprint Genetics
Classification: Likely benign. Last evaluated: 2024-10-29. Review status: criteria provided, single submitter. Criteria: ACMG Guidelines, 2015. Collection method: clinical testing. Allele origin: germline.

Illumina Laboratory Services, Illumina
Classification: Uncertain significance for Short stature due to primary acid-labile subunit deficiency. Last evaluated: 2018-01-12. Review status: criteria provided, single submitter. Criteria: ICSL Variant Classification Criteria 13 December 2019. Collection method: clinical testing. Allele origin: germline.